The following is an entry in ClinVar:

NM_005529.7(HSPG2):c.7394A>G (p.His2465Arg)

Gene: HSPG2 (heparan sulfate proteoglycan 2; minus strand). Cytogenetic location: 1p36.12.
Variant type: single nucleotide variant.
Coding change: c.7394A>G on transcript NM_005529.7 (MANE Select); coding-DNA position 7394, A replaced by G.
Protein change: p.His2465Arg; replaces histidine 2465 with arginine.
Molecular consequence: missense variant.
Genome position (GRCh38, 1-based): chr1:21,850,093, T>C on the plus strand (A>G on the coding strand, the complement: HSPG2 is on the minus strand). VCF-style: chr1-21850093-T-C. GRCh37 (hg19) VCF-style: chr1-22176586-T-C.
Other names: c.7397A>G, p.His2466Arg (NM_001291860.2); short protein forms H2465R, H2466R.
Identifiers: ClinVar variation 1394142 (VCV001394142.9), dbSNP rs1327744845, ClinGen allele CA338925007.

ClinVar aggregate classification (germline): Uncertain significance. Review status: criteria provided, multiple submitters, no conflicts (2 of 4 stars). 2 submissions from 2 submitters: Uncertain significance (2). Last evaluated 2022-03-03.

Allele frequency attached by ClinVar (database versions not stated): gnomAD exomes below 0.00001; gnomAD 0.00001.
gnomAD v4.1: 5 of 1,613,362 alleles (0.00031%); highest among the groups gnomAD compares: African/African-American, 0.0013%; no homozygotes.

Submissions (2):

Labcorp Genetics (formerly Invitae), Labcorp
Classification: Uncertain significance. Last evaluated: 2022-03-03. Review status: criteria provided, single submitter. Criteria: Invitae Variant Classification Sherloc (09022015). Collection method: clinical testing. Allele origin: germline.
Comment: In summary, the available evidence is currently insufficient to determine the role of this variant in disease. Therefore, it has been classified as a Variant of Uncertain Significance. This sequence change replaces histidine, which is basic and polar, with arginine, which is basic and polar, at codon 2465 of the HSPG2 protein (p.His2465Arg). This variant is not present in population databases (gnomAD no frequency). This variant has not been reported in the literature in individuals affected with HSPG2-related conditions. Algorithms developed to predict the effect of missense changes on protein structure and function (SIFT, PolyPhen-2, Align-GVGD) all suggest that this variant is likely to be tolerated.

Athena Diagnostics
Classification: Uncertain significance. Last evaluated: 2021-09-10. Review status: criteria provided, single submitter. Criteria: Athena Diagnostics Criteria. Collection method: clinical testing. Allele origin: unknown.